The following is an entry in ClinVar:

ClinVar aggregate classification (germline): Uncertain significance. Review status: criteria provided, multiple submitters, no conflicts (2 of 4 stars). 4 submissions from 4 submitters: Uncertain significance (4). Last evaluated 2024-03-26.

Conditions:
Cardiovascular phenotype. Identifiers: MedGen CN230736.
Progressive familial heart block type IB (PFHB1B). Identifiers: Orphanet 871, MedGen C1970298, MONDO:0011474, OMIM 604559.
Erythrokeratodermia variabilis et progressiva 6. Identifiers: MedGen C5193144, MONDO:0032801, OMIM 618531.

Submissions (4):

Genomic Medicine Center of Excellence, King Faisal Specialist Hospital and Research Centre
Classification: Uncertain significance for Progressive familial heart block type IB. Last evaluated: 2024-03-26. Review status: criteria provided, single submitter. Criteria: ACMG Guidelines, 2015. Collection method: clinical testing. Allele origin: germline.

Ambry Genetics
Classification: Uncertain significance for Cardiovascular phenotype. Last evaluated: 2023-06-14. Review status: criteria provided, single submitter. Criteria: Ambry Variant Classification Scheme 2023. Collection method: clinical testing. Allele origin: germline.
Comment: The c.3339_3342delTTCT variant, located in coding exon 22 of the TRPM4 gene, results from a deletion of 4 nucleotides at nucleotide positions 3339 to 3342, causing a translational frameshift with a predicted alternate stop codon (p.S1114Rfs*8). This alteration is expected to result in protein truncation or nonsense-mediated mRNA decay. However, loss of function of TRPM4 has not been established as a mechanism of disease. Since supporting evidence is limited at this time, the clinical significance of this alteration remains unclear.

Fulgent Genetics
Classification: Uncertain significance for Progressive familial heart block type IB; Erythrokeratodermia variabilis et progressiva 6. Last evaluated: 2021-11-11. Review status: criteria provided, single submitter. Criteria: ACMG Guidelines, 2015. Collection method: clinical testing. Allele origin: unknown.

Labcorp Genetics (formerly Invitae), Labcorp
Classification: Uncertain significance for Progressive familial heart block type IB. Last evaluated: 2021-01-28. Review status: criteria provided, single submitter. Criteria: Invitae Variant Classification Sherloc (09022015). Collection method: clinical testing. Allele origin: germline.
Comment: This sequence change creates a premature translational stop signal (p.Ser1114Argfs*8) in the TRPM4 gene. It is expected to result in an absent or disrupted protein product. However, the current clinical and genetic evidence is not sufficient to establish whether loss-of-function variants in TRPM4 cause disease. This variant is not present in population databases (ExAC no frequency). This variant has not been reported in the literature in individuals with TRPM4-related conditions. In summary, the available evidence is currently insufficient to determine the role of this variant in disease. Therefore, it has been classified as a Variant of Uncertain Significance.

NM_017636.4(TRPM4):c.3339_3342del (p.Ser1114fs)

Gene: TRPM4 (transient receptor potential cation channel subfamily M member 4; plus strand). Cytogenetic location: 19q13.33.
Variant type: Deletion.
Coding change: c.3339_3342del on transcript NM_017636.4 (MANE Select); coding-DNA positions 3339 to 3342, 4 bases deleted (TTCT; older notation c.3339_3342delTTCT).
Protein change: p.Ser1114fs; shifts the reading frame from serine 1114.
Molecular consequence: frameshift variant.
Genome position (GRCh38, 1-based): chr19:49,210,720-49,210,723, TTCT deleted; deleting any 4 consecutive bases within chr19:49,210,718-49,210,723 gives the same sequence; the c. name uses the placement nearest the transcript's 3' end. VCF-style (leftmost placement, unchanged base first): chr19-49210717-CCTTT-C. GRCh37 (hg19) VCF-style: chr19-49713974-CCTTT-C.
Other names: c.3339_3342delTTCT (NM_017636.3); c.2904_2907del, p.Ser969fs (NM_001195227.2); c.2994_2997del, p.Ser999fs (NM_001321281.2); c.1731_1734del, p.Ser578fs (NM_001321282.2); c.2817_2820del, p.Ser940fs (NM_001321283.2); c.2277_2280del, p.Ser760fs (NM_001321285.2); short protein forms S760fs, S940fs, S969fs, S1114fs, S578fs, S999fs.
Identifiers: ClinVar variation 1407010 (VCV001407010.9), dbSNP rs1054561100, ClinGen allele CA309420620.
Genomic context (GRCh38, chr19:49,210,717, plus strand): 5'-TGGGATTGGGAAGGGGCGTGGCCTGAGCCCTTTGACTCCGCCCGCCCCTGCAGGGGTTTA[CCTTT>C]CTAAGGAAGCCGAGCGGAAGCTGCTAACGTGGGAATCGGTGCATAAGGAGAACTTTCTGC-3'